The following is an entry in ClinVar:

ClinVar aggregate classification (germline): Uncertain significance (1 of 4 stars; one submission).

Conditions:
Hyperekplexia 3 (HKPX3). Also called: HYPEREKPLEXIA 3, AUTOSOMAL RECESSIVE; HYPEREKPLEXIA 3, AUTOSOMAL DOMINANT. Identifiers: Orphanet 3197, MedGen C3553288, MONDO:0013827, OMIM 614618.

gnomAD v4.1: 46 of 1,613,720 alleles (0.0029%); highest among the groups gnomAD compares: African/African-American, 0.0053%; no homozygotes.

Submission:

Labcorp Genetics (formerly Invitae), Labcorp
Classification: Uncertain significance for Hyperekplexia 3. Last evaluated: 2025-06-12. Review status: criteria provided, single submitter. Criteria: Invitae Variant Classification Sherloc (09022015). Collection method: clinical testing. Allele origin: germline.
Comment: This sequence change replaces threonine, which is neutral and polar, with methionine, which is neutral and non-polar, at codon 462 of the SLC6A5 protein (p.Thr462Met). This variant is present in population databases (rs774730423, gnomAD 0.01%). This variant has not been reported in the literature in individuals affected with SLC6A5-related conditions. ClinVar contains an entry for this variant (Variation ID: 1361012). Invitae Evidence Modeling of protein sequence and biophysical properties (such as structural, functional, and spatial information, amino acid conservation, physicochemical variation, residue mobility, and thermodynamic stability) indicates that this missense variant is not expected to disrupt SLC6A5 protein function with a negative predictive value of 95%. In summary, the available evidence is currently insufficient to determine the role of this variant in disease. Therefore, it has been classified as a Variant of Uncertain Significance.

NM_004211.5(SLC6A5):c.1385C>T (p.Thr462Met)

Gene: SLC6A5 (solute carrier family 6 member 5; plus strand). Cytogenetic location: 11p15.1.
Variant type: single nucleotide variant.
Coding change: c.1385C>T on transcript NM_004211.5 (MANE Select); coding-DNA position 1385, C replaced by T.
Protein change: p.Thr462Met; replaces threonine 462 with methionine.
Molecular consequence: missense variant.
Genome position (GRCh38, 1-based): chr11:20,626,832, C>T. VCF-style: chr11-20626832-C-T. GRCh37 (hg19) VCF-style: chr11-20648378-C-T.
Other names: c.683C>T, p.Thr228Met (NM_001318369.2); short protein forms T228M, T462M.
Identifiers: ClinVar variation 1361012 (VCV001361012.5), dbSNP rs774730423, ClinGen allele CA5921416.